The following is an entry in ClinVar:

NM_153026.3(PRICKLE1):c.987C>G (p.Asp329Glu)

Genes: PRICKLE1 (prickle planar cell polarity protein 1; minus strand), LOC126861509 (BRD4-independent group 4 enhancer GRCh37_chr12:42858567-42859766; plus strand). Cytogenetic location: 12q12.
Variant type: single nucleotide variant.
Coding change: c.987C>G on transcript NM_153026.3 (MANE Select); coding-DNA position 987, C replaced by G.
Protein change: p.Asp329Glu; replaces aspartic acid 329 with glutamic acid.
Molecular consequence: missense variant.
Genome position (GRCh38, 1-based): chr12:42,465,047, G>C on the plus strand (C>G on the coding strand, the complement: PRICKLE1 is on the minus strand). VCF-style: chr12-42465047-G-C. GRCh37 (hg19) VCF-style: chr12-42858849-G-C.
Other names: c.987C>G, p.Asp329Glu (NM_001144881.2, NM_001144882.2, NM_001144883.2); short protein forms D329E.
Identifiers: ClinVar variation 1353024 (VCV001353024.8), dbSNP rs1938037593, ClinGen allele CA384442709.

ClinVar aggregate classification (germline): Uncertain significance (1 of 4 stars; one submission).

Conditions:
Epilepsy, progressive myoclonic, 1B. Also called: PME. Identifiers: Orphanet 308, MedGen C2676254, MONDO:0012904, OMIM 612437.

gnomAD v4.1: 1 of 1,586,188 alleles (0.000063%); highest among the groups gnomAD compares: Non-Finnish European, 0.000086%; no homozygotes.

Submission:

Labcorp Genetics (formerly Invitae), Labcorp
Classification: Uncertain significance for Epilepsy, progressive myoclonic, 1B. Last evaluated: 2020-12-02. Review status: criteria provided, single submitter. Criteria: Invitae Variant Classification Sherloc (09022015). Collection method: clinical testing. Allele origin: germline.
Comment: This sequence change replaces aspartic acid with glutamic acid at codon 329 of the PRICKLE1 protein (p.Asp329Glu). The aspartic acid residue is moderately conserved and there is a small physicochemical difference between aspartic acid and glutamic acid. This variant is not present in population databases (ExAC no frequency). This variant has not been reported in the literature in individuals with PRICKLE1-related conditions. Algorithms developed to predict the effect of missense changes on protein structure and function (SIFT, PolyPhen-2, Align-GVGD) all suggest that this variant is likely to be tolerated, but these predictions have not been confirmed by published functional studies and their clinical significance is uncertain. In summary, the available evidence is currently insufficient to determine the role of this variant in disease. Therefore, it has been classified as a Variant of Uncertain Significance.